The following is an entry in ClinVar:

NM_001142966.3(GREB1L):c.1348G>A (p.Val450Met)

Genes: GREB1L (GREB1 like retinoic acid receptor coactivator; plus strand), GREB1L-AS1 (GREB1L antisense RNA 1; minus strand). Cytogenetic location: 18q11.1.
Variant type: single nucleotide variant.
Coding change: c.1348G>A on transcript NM_001142966.3 (MANE Select); coding-DNA position 1348, G replaced by A.
Protein change: p.Val450Met; replaces valine 450 with methionine.
Molecular consequence: missense variant.
Genome position (GRCh38, 1-based): chr18:21,444,364, G>A. VCF-style: chr18-21444364-G-A. GRCh37 (hg19) VCF-style: chr18-19024325-G-A.
Other names: c.1477G>A, p.Val493Met (NM_001410867.1); c.1348G>A, p.Val450Met (NM_001410868.1); short protein forms V450M, V493M.
Identifiers: ClinVar variation 2628943 (VCV002628943.6), dbSNP rs775869656, ClinGen allele CA8906398.

ClinVar aggregate classification (germline): Uncertain significance. Review status: criteria provided, multiple submitters, no conflicts (2 of 4 stars). 2 submissions from 2 submitters: Uncertain significance (2). Last evaluated 2026-06-23.

Conditions:
GREB1L-related disorder. Also called: GREB1L-related condition.

gnomAD v4.1: 38 of 1,552,286 alleles (0.0024%); highest among the groups gnomAD compares: African/African-American, 0.0068%; no homozygotes.

Submissions (2):

PreventionGenetics, part of Exact Sciences
Classification: Uncertain significance for GREB1L-related condition. Last evaluated: 2026-06-23. Review status: criteria provided, single submitter. Criteria: ACMG Guidelines, 2015. Collection method: clinical testing. Allele origin: germline.
Comment: The GREB1L c.1348G>A variant is predicted to result in the amino acid substitution p.Val450Met. To our knowledge, this variant has not been reported in the literature. This variant is reported in 0.024% of alleles in individuals of African descent in gnomAD. At this time, the clinical significance of this variant is uncertain due to the absence of conclusive functional and genetic evidence.

CeGaT Center for Human Genetics Tuebingen
Classification: Uncertain significance. Last evaluated: 2026-03-01. Review status: criteria provided, single submitter. Criteria: CeGaT Center For Human Genetics Tuebingen Variant Classification Criteria Version 2. Collection method: clinical testing. Allele origin: germline. Affected: yes. Observed: 1 variant allele.